The following is an entry in ClinVar:

ClinVar aggregate classification (germline): Likely benign. Review status: criteria provided, multiple submitters, no conflicts (2 of 4 stars). 3 submissions from 3 submitters: Likely benign (3). Last evaluated 2026-01-01.

Conditions:
Inborn genetic diseases. Identifiers: MedGen C0950123, MeSH D030342.

Allele frequency attached by ClinVar (database versions not stated): ExAC 0.00005; gnomAD exomes 0.00005; gnomAD 0.00006.
gnomAD v4.1: 82 of 1,558,976 alleles (0.0053%); highest among the groups gnomAD compares: Admixed American, 0.025%; no homozygotes.

Submissions (3):

CeGaT Center for Human Genetics Tuebingen
Classification: Likely benign. Last evaluated: 2026-01-01. Review status: criteria provided, single submitter. Criteria: CeGaT Center For Human Genetics Tuebingen Variant Classification Criteria Version 2. Collection method: clinical testing. Allele origin: germline. Affected: yes. Observed: 1 variant allele.
Comment: EPAS1: BP4, BP7

Labcorp Genetics (formerly Invitae), Labcorp
Classification: Likely benign. Last evaluated: 2025-05-05. Review status: criteria provided, single submitter. Criteria: Invitae Variant Classification Sherloc (09022015). Collection method: clinical testing. Allele origin: germline.

Ambry Genetics
Classification: Likely benign for Inborn genetic diseases. Last evaluated: 2022-02-12. Review status: criteria provided, single submitter. Criteria: Ambry Variant Classification Scheme 2023. Collection method: clinical testing. Allele origin: germline.

NM_001430.5(EPAS1):c.1302G>A (p.Pro434=)

Gene: EPAS1 (endothelial PAS domain protein 1; plus strand). Cytogenetic location: 2p21.
Variant type: single nucleotide variant.
Coding change: c.1302G>A on transcript NM_001430.5 (MANE Select); coding-DNA position 1302, G replaced by A.
Protein change: p.Pro434=; no amino-acid change (proline 434 retained).
Molecular consequence: synonymous variant.
Genome position (GRCh38, 1-based): chr2:46,377,946, G>A. VCF-style: chr2-46377946-G-A. GRCh37 (hg19) VCF-style: chr2-46605085-G-A.
Identifiers: ClinVar variation 1769443 (VCV001769443.8), dbSNP rs755777229, ClinGen allele CA1644948.